The following is an entry in ClinVar:

NM_005012.4(ROR1):c.2312C>T (p.Thr771Ile)

Gene: ROR1 (ROR family WNT receptor 1; plus strand). Cytogenetic location: 1p31.3.
Variant type: single nucleotide variant.
Coding change: c.2312C>T on transcript NM_005012.4 (MANE Select); coding-DNA position 2312, C replaced by T.
Protein change: p.Thr771Ile; replaces threonine 771 with isoleucine.
Molecular consequence: missense variant.
Genome position (GRCh38, 1-based): chr1:64,178,353, C>T. VCF-style: chr1-64178353-C-T. GRCh37 (hg19) VCF-style: chr1-64644036-C-T.
Other names: c.2312C>T (NM_005012.3); short protein forms T771I.
Identifiers: ClinVar variation 4156120 (VCV004156120.2).
Genomic context (GRCh38, chr1:64,178,353, plus strand): 5'-GACTCTCAAGTCACACAAGCTCTACTACTCCTTCAGGGGGAAATGCCACCACACAGACAA[C>T]CTCCCTCAGTGCCAGCCCAGTGAGTAATCTCAGTAACCCCAGATATCCTAATTACATGTT-3'
Protein context (NP_005003.2, residues 761-781): PSGGNATTQT[Thr771Ile]SLSASPVSNL

ClinVar aggregate classification (germline): Uncertain significance. Review status: criteria provided, multiple submitters, no conflicts (2 of 4 stars). 2 submissions from 2 submitters: Uncertain significance (2). Last evaluated 2026-09-16.

Conditions:
ROR1-related disorder. Also called: ROR1-related condition.

gnomAD v4.1: 20 of 1,614,070 alleles (0.0012%); highest among the groups gnomAD compares: African/African-American, 0.013%; no homozygotes.

Submissions (2):

PreventionGenetics, part of Exact Sciences
Classification: Uncertain significance for ROR1-related condition. Last evaluated: 2026-09-16. Review status: criteria provided, single submitter. Criteria: ACMG Guidelines, 2015. Collection method: clinical testing. Allele origin: germline.
Comment: The ROR1 c.2312C>T variant is predicted to result in the amino acid substitution p.Thr771Ile. To our knowledge, this variant has not been reported in the literature. This variant is reported in 0.0080% of alleles in individuals of African descent in gnomAD. At this time, the clinical significance of this variant is uncertain due to the absence of conclusive functional and genetic evidence.

Ambry Genetics
Classification: Uncertain significance. Last evaluated: 2025-06-19. Review status: criteria provided, single submitter. Criteria: Ambry Variant Classification Scheme 2023. Collection method: clinical testing. Allele origin: germline.